The following is an entry in ClinVar:

NM_001200.4(BMP2):c.185G>A (p.Gly62Asp)

Gene: BMP2 (bone morphogenetic protein 2; plus strand). Cytogenetic location: 20p12.3.
Variant type: single nucleotide variant.
Coding change: c.185G>A on transcript NM_001200.4 (MANE Select); coding-DNA position 185, G replaced by A.
Protein change: p.Gly62Asp; replaces glycine 62 with aspartic acid.
Molecular consequence: missense variant.
Genome position (GRCh38, 1-based): chr20:6,770,311, G>A. VCF-style: chr20-6770311-G-A. GRCh37 (hg19) VCF-style: chr20-6750958-G-A.
Other names: short protein forms G62D.
Identifiers: ClinVar variation 3899756 (VCV003899756.2).

ClinVar aggregate classification (germline): Uncertain significance (1 of 4 stars; one submission).

Submission:

GeneDx
Classification: Uncertain significance. Last evaluated: 2026-02-18. Review status: criteria provided, single submitter. Criteria: GeneDx Variant Classification Process June 2021. Collection method: clinical testing. Allele origin: germline.
Comment: Not observed at significant frequency in large population cohorts (gnomAD); In silico analysis supports that this missense variant has a deleterious effect on protein structure/function; Has not been previously published as pathogenic or benign to our knowledge